The following is an entry in ClinVar:

ClinVar aggregate classification (germline): Uncertain significance (1 of 4 stars; one submission).

gnomAD v4.1: 4 of 1,613,794 alleles (0.00025%); highest among the groups gnomAD compares: East Asian, 0.0022%; no homozygotes.

Submission:

Labcorp Genetics (formerly Invitae), Labcorp
Classification: Uncertain significance. Last evaluated: 2025-04-09. Review status: criteria provided, single submitter. Criteria: Invitae Variant Classification Sherloc (09022015). Collection method: clinical testing. Allele origin: germline.
Comment: This sequence change replaces arginine, which is basic and polar, with glutamine, which is neutral and polar, at codon 487 of the DOCK6 protein (p.Arg487Gln). This variant is present in population databases (no rsID available, gnomAD 0.01%). This variant has not been reported in the literature in individuals affected with DOCK6-related conditions. Invitae Evidence Modeling of protein sequence and biophysical properties (such as structural, functional, and spatial information, amino acid conservation, physicochemical variation, residue mobility, and thermodynamic stability) indicates that this missense variant is expected to disrupt DOCK6 protein function with a positive predictive value of 80%. In summary, the available evidence is currently insufficient to determine the role of this variant in disease. Therefore, it has been classified as a Variant of Uncertain Significance.

NM_020812.4(DOCK6):c.1460G>A (p.Arg487Gln)

Gene: DOCK6 (dedicator of cytokinesis 6; minus strand). Cytogenetic location: 19p13.2.
Variant type: single nucleotide variant.
Coding change: c.1460G>A on transcript NM_020812.4 (MANE Select); coding-DNA position 1460, G replaced by A.
Protein change: p.Arg487Gln; replaces arginine 487 with glutamine.
Molecular consequence: missense variant.
Genome position (GRCh38, 1-based): chr19:11,243,079, C>T on the plus strand (G>A on the coding strand, the complement: DOCK6 is on the minus strand). VCF-style: chr19-11243079-C-T. GRCh37 (hg19) VCF-style: chr19-11353755-C-T.
Other names: c.1460G>A, p.Arg487Gln (NM_001367830.1); short protein forms R487Q.
Identifiers: ClinVar variation 4766402 (VCV004766402.1).